The following is an entry in ClinVar:

ClinVar aggregate classification (germline): Likely pathogenic. Review status: criteria provided, single submitter (1 of 4 stars). 2 submissions from 2 submitters: Likely pathogenic (1). 1 of the submissions does not count toward it. Last evaluated 2025-06-01.

Conditions:
Nephrotic syndrome. Identifiers: MedGen C0027726, MONDO:0005377, HP:0000100.
Finnish congenital nephrotic syndrome (NPHS1). Also called: NEPHROTIC SYNDROME, TYPE 1. Identifiers: Orphanet 839, MedGen C0403399, MONDO:0009732, OMIM 256300.

gnomAD v4.1: 2 of 1,612,872 alleles (0.00012%); highest among the groups gnomAD compares: Non-Finnish European, 0.00017%; no homozygotes.

Submissions (2):

Natera, Inc.
Classification: Likely pathogenic for Finnish congenital nephrotic syndrome. Last evaluated: 2025-06-01. Review status: criteria provided, single submitter. Criteria: Natera Variant Classification Schema (03/2026). Collection method: clinical testing. Allele origin: germline.
Comment: The c.2014G>A variant in NPHS1 is a missense variant predicted to cause substitution of alanine to threonine at amino acid 672. This variant is rare in the general population with a frequency below the threshold expected for the associated phenotype(s). This variant has been observed in one or more individuals affected with the associated recessive disease, as either homozygous or compound heterozygous with a second variant (PMID: 32694662, 29127259, 25720465, 25349199). Computational prediction algorithms indicate this variant is likely to affect gene or protein function. Given the available evidence, this variant is classified as Likely Pathogenic.

Yale Center for Mendelian Genomics, Yale University
Classification: Likely pathogenic for Nephrotic syndrome. Last evaluated: 2017-11-10. Review status: no assertion criteria provided. Collection method: literature only. Allele origin: germline. Affected: yes. Observed: 1 compound heterozygote. Study: Yale Center for Mendelian Genomics. Not counted in ClinVar's aggregate classification.

Literature cited by the submitters: PubMed 32694662 (cited by Natera, Inc.); PubMed 29127259 (cited by Natera, Inc. and Yale Center for Mendelian Genomics, Yale University); PubMed 25720465 (cited by Natera, Inc.); PubMed 25349199 (cited by Natera, Inc.).

NM_004646.4(NPHS1):c.2014G>A (p.Ala672Thr)

Gene: NPHS1 (NPHS1 adhesion molecule, nephrin; minus strand). Cytogenetic location: 19q13.12.
Variant type: single nucleotide variant.
Coding change: c.2014G>A on transcript NM_004646.4 (MANE Select); coding-DNA position 2014, G replaced by A.
Protein change: p.Ala672Thr; replaces alanine 672 with threonine.
Molecular consequence: missense variant.
Genome position (GRCh38, 1-based): chr19:35,844,376, C>T on the plus strand (G>A on the coding strand, the complement: NPHS1 is on the minus strand). VCF-style: chr19-35844376-C-T. GRCh37 (hg19) VCF-style: chr19-36335278-C-T.
Other names: short protein forms A672T.
Identifiers: ClinVar variation 1344787 (VCV001344787.2), dbSNP rs1352354716, ClinGen allele CA405397911.